The following is an entry in ClinVar:

ClinVar aggregate classification (germline): Uncertain significance (1 of 4 stars; one submission).

Conditions:
Idiopathic generalized epilepsy. Also called: EIG; Generalised epilepsy. Identifiers: MedGen C0270850, MONDO:0005579, OMIM 600669.

gnomAD v4.1: 3 of 1,613,156 alleles (0.00019%); highest among the groups gnomAD compares: South Asian, 0.0011%; no homozygotes.

Submission:

Labcorp Genetics (formerly Invitae), Labcorp
Classification: Uncertain significance for Idiopathic generalized epilepsy. Last evaluated: 2022-05-04. Review status: criteria provided, single submitter. Criteria: Invitae Variant Classification Sherloc (09022015). Collection method: clinical testing. Allele origin: germline.
Comment: This sequence change replaces serine, which is neutral and polar, with phenylalanine, which is neutral and non-polar, at codon 299 of the GABRD protein (p.Ser299Phe). This variant is not present in population databases (gnomAD no frequency). This variant has not been reported in the literature in individuals affected with GABRD-related conditions. In summary, the available evidence is currently insufficient to determine the role of this variant in disease. Therefore, it has been classified as a Variant of Uncertain Significance. Algorithms developed to predict the effect of missense changes on protein structure and function are either unavailable or do not agree on the potential impact of this missense change (SIFT: "Deleterious"; PolyPhen-2: "Probably Damaging"; Align-GVGD: "Class C15").

NM_000815.5(GABRD):c.896C>T (p.Ser299Phe)

Gene: GABRD (gamma-aminobutyric acid type A receptor subunit delta; plus strand). Cytogenetic location: 1p36.33.
Variant type: single nucleotide variant.
Coding change: c.896C>T on transcript NM_000815.5 (MANE Select); coding-DNA position 896, C replaced by T.
Protein change: p.Ser299Phe; replaces serine 299 with phenylalanine.
Molecular consequence: missense variant.
Genome position (GRCh38, 1-based): chr1:2,029,599, C>T. VCF-style: chr1-2029599-C-T. GRCh37 (hg19) VCF-style: chr1-1961038-C-T.
Other names: short protein forms S299F.
Identifiers: ClinVar variation 2133931 (VCV002133931.4), dbSNP rs1302098541, ClinGen allele CA337959998.